The following is an entry in ClinVar:

NM_001854.4(COL11A1):c.680G>A (p.Gly227Asp)

Gene: COL11A1 (collagen type XI alpha 1 chain; minus strand). Cytogenetic location: 1p21.1.
Variant type: single nucleotide variant.
Coding change: c.680G>A on transcript NM_001854.4 (MANE Select); coding-DNA position 680, G replaced by A.
Protein change: p.Gly227Asp; replaces glycine 227 with aspartic acid.
Molecular consequence: missense variant. On other transcripts: non-coding transcript variant (1).
Genome position (GRCh38, 1-based): chr1:103,031,216, C>T on the plus strand (G>A on the coding strand, the complement: COL11A1 is on the minus strand). VCF-style: chr1-103031216-C-T. GRCh37 (hg19) VCF-style: chr1-103496772-C-T.
Other names: c.680G>A, p.Gly227Asp (NM_001190709.2, NM_080629.3, NM_080630.4); short protein forms G227D.
Identifiers: ClinVar variation 3633583 (VCV003633583.2).

ClinVar aggregate classification (germline): Uncertain significance (1 of 4 stars; one submission).

gnomAD v4.1: 2 of 1,603,804 alleles (0.00012%); highest among the groups gnomAD compares: Middle Eastern, 0.017%; no homozygotes.

Submission:

Labcorp Genetics (formerly Invitae), Labcorp
Classification: Uncertain significance. Last evaluated: 2024-02-14. Review status: criteria provided, single submitter. Criteria: Invitae Variant Classification Sherloc (09022015). Collection method: clinical testing. Allele origin: germline.
Comment: This sequence change replaces glycine, which is neutral and non-polar, with aspartic acid, which is acidic and polar, at codon 227 of the COL11A1 protein (p.Gly227Asp). This variant is not present in population databases (gnomAD no frequency). This variant has not been reported in the literature in individuals affected with COL11A1-related conditions. Advanced modeling of protein sequence and biophysical properties (such as structural, functional, and spatial information, amino acid conservation, physicochemical variation, residue mobility, and thermodynamic stability) performed at Invitae indicates that this missense variant is not expected to disrupt COL11A1 protein function with a negative predictive value of 95%. In summary, the available evidence is currently insufficient to determine the role of this variant in disease. Therefore, it has been classified as a Variant of Uncertain Significance.